The following is an entry in ClinVar:

ClinVar aggregate classification (germline): Conflicting classifications of pathogenicity. Review status: criteria provided, conflicting classifications (1 of 4 stars). 5 submissions from 5 submitters: Uncertain significance (2); Likely benign (2). 1 of the submissions does not count toward it. Last evaluated 2026-10-19.

Conditions:
CACNA1S-related disorder. Also called: CACNA1S-related condition.
Malignant hyperthermia, susceptibility to, 5 (MHS5). Also called: CACNA1S-Related Malignant Hyperthermia Susceptibility. Identifiers: Orphanet 423, MedGen C1866077, MONDO:0011163, OMIM 601887.
Hypokalemic periodic paralysis, type 1. Also called: Hypokalemic Periodic Paralysis Type 1 (AD); HypoPP. Identifiers: Orphanet 681, MedGen C3714580, MONDO:0042979, OMIM 170400.
Inborn genetic diseases. Identifiers: MedGen C0950123, MeSH D030342.

Allele frequency attached by ClinVar (database versions not stated): gnomAD 0.00024 and 0.00023; ExAC 0.00055; 1000 Genomes Project 0.00020; 1000 Genomes Project 30x 0.00016; TOPMed 0.00028; ESP Exome Variant Server 0.00031.
gnomAD v4.1: 544 of 1,614,190 alleles (0.034%); highest among the groups gnomAD compares: Admixed American, 0.092%; no homozygotes.

Submissions (5):

GeneDx
Classification: Uncertain significance. Last evaluated: 2026-10-19. Review status: criteria provided, single submitter. Criteria: GeneDx Variant Classification Process June 2021. Collection method: clinical testing. Allele origin: germline.
Comment: In silico analysis supports that this missense variant has a deleterious effect on protein structure/function; Has not been previously published as pathogenic or benign to our knowledge

Labcorp Genetics (formerly Invitae), Labcorp
Classification: Likely benign for Hypokalemic periodic paralysis, type 1; Malignant hyperthermia, susceptibility to, 5. Last evaluated: 2025-05-13. Review status: criteria provided, single submitter. Criteria: Invitae Variant Classification Sherloc (09022015). Collection method: clinical testing. Allele origin: germline.

Color Diagnostics, LLC DBA Color Health
Classification: Likely benign for Malignant hyperthermia, susceptibility to, 5. Last evaluated: 2023-01-11. Review status: criteria provided, single submitter. Criteria: ACMG Guidelines, 2015. Collection method: clinical testing. Allele origin: germline.

Ambry Genetics
Classification: Uncertain significance for Inborn genetic diseases. Last evaluated: 2021-09-30. Review status: criteria provided, single submitter. Criteria: Ambry Variant Classification Scheme 2023. Collection method: clinical testing. Allele origin: germline.

PreventionGenetics, part of Exact Sciences
Classification: Likely benign for CACNA1S-related condition. Last evaluated: 2022-10-04. Review status: no assertion criteria provided. Collection method: clinical testing. Allele origin: germline. Not counted in ClinVar's aggregate classification.
Comment: This variant is classified as likely benign based on ACMG/AMP sequence variant interpretation guidelines (Richards et al. 2015 PMID: 25741868, with internal and published modifications).

NM_000069.3(CACNA1S):c.4972C>T (p.Arg1658Cys)

Gene: CACNA1S (calcium voltage-gated channel subunit alpha1 S; minus strand). Cytogenetic location: 1q32.1.
Variant type: single nucleotide variant.
Coding change: c.4972C>T on transcript NM_000069.3 (MANE Select); coding-DNA position 4972, C replaced by T.
Protein change: p.Arg1658Cys; replaces arginine 1658 with cysteine.
Molecular consequence: missense variant.
Genome position (GRCh38, 1-based): chr1:201,043,357, G>A on the plus strand (C>T on the coding strand, the complement: CACNA1S is on the minus strand). VCF-style: chr1-201043357-G-A. GRCh37 (hg19) VCF-style: chr1-201012485-G-A.
Other names: short protein forms R1658C.
Identifiers: ClinVar variation 639106 (VCV000639106.18), dbSNP rs147392278, ClinGen allele CA083636.
Genomic context (GRCh38, chr1:201,043,357, plus strand): 5'-TGTTGCTATGGTTGCTGTTGCCATAGGCGACATTGGCGTTGGCATTGTTGGTATTGGCAC[G>A]AGCCAGGGGGTTGGTGCGTGGATCTTGTGGGAAGTCCTCCAAGAAGACAGGTGACTCCAT-3'
Protein context (NP_000060.2, residues 1648-1668): PQDPRTNPLA[Arg1658Cys]ANTNNANANV